The following is an entry in ClinVar:

ClinVar aggregate classification (germline): Uncertain significance (1 of 4 stars; one submission).

Conditions:
Ullrich congenital muscular dystrophy 2 (UCMD2). Identifiers: Orphanet 75840, MedGen C4225314, MONDO:0014654, OMIM 616470.
Bethlem myopathy 2 (BTHLM2). Identifiers: Orphanet 536516, Orphanet 610, MedGen C4225313, MONDO:0034022, OMIM 616471.

Allele frequency attached by ClinVar (database versions not stated): gnomAD exomes 0.00001.
gnomAD v4.1: 8 of 1,613,572 alleles (0.0005%); highest among the groups gnomAD compares: Non-Finnish European, 0.00068%; no homozygotes.

Submission:

Labcorp Genetics (formerly Invitae), Labcorp
Classification: Uncertain significance for Bethlem myopathy 2; Ullrich congenital muscular dystrophy 2. Last evaluated: 2022-08-27. Review status: criteria provided, single submitter. Criteria: Invitae Variant Classification Sherloc (09022015). Collection method: clinical testing. Allele origin: germline.
Comment: In summary, the available evidence is currently insufficient to determine the role of this variant in disease. Therefore, it has been classified as a Variant of Uncertain Significance. Algorithms developed to predict the effect of missense changes on protein structure and function (SIFT, PolyPhen-2, Align-GVGD) all suggest that this variant is likely to be disruptive. This variant has not been reported in the literature in individuals affected with COL12A1-related conditions. This variant is not present in population databases (gnomAD no frequency). This sequence change replaces lysine, which is basic and polar, with glutamic acid, which is acidic and polar, at codon 2532 of the COL12A1 protein (p.Lys2532Glu).

NM_004370.6(COL12A1):c.7594A>G (p.Lys2532Glu)

Gene: COL12A1 (collagen type XII alpha 1 chain; minus strand). Cytogenetic location: 6q13.
Variant type: single nucleotide variant.
Coding change: c.7594A>G on transcript NM_004370.6 (MANE Select); coding-DNA position 7594, A replaced by G.
Protein change: p.Lys2532Glu; replaces lysine 2532 with glutamic acid.
Molecular consequence: missense variant.
Genome position (GRCh38, 1-based): chr6:75,115,887, T>C on the plus strand (A>G on the coding strand, the complement: COL12A1 is on the minus strand). VCF-style: chr6-75115887-T-C. GRCh37 (hg19) VCF-style: chr6-75825603-T-C.
Other names: c.4102A>G, p.Lys1368Glu (NM_080645.3); short protein forms K1368E, K2532E.
Identifiers: ClinVar variation 2053405 (VCV002053405.4), dbSNP rs2149361430, ClinGen allele CA364745430.